The following is an entry in ClinVar:

NM_001130823.3(DNMT1):c.4888G>T (p.Ala1630Ser)

Gene: DNMT1 (DNA methyltransferase 1; minus strand). Cytogenetic location: 19p13.2.
Variant type: single nucleotide variant.
Coding change: c.4888G>T on transcript NM_001130823.3 (MANE Select); coding-DNA position 4888, G replaced by T.
Protein change: p.Ala1630Ser; replaces alanine 1630 with serine.
Molecular consequence: missense variant.
Genome position (GRCh38, 1-based): chr19:10,133,678, C>A on the plus strand (G>T on the coding strand, the complement: DNMT1 is on the minus strand). VCF-style: chr19-10133678-C-A. GRCh37 (hg19) VCF-style: chr19-10244354-C-A.
Other names: c.4849G>T, p.Ala1617Ser (NM_001318730.2); c.4525G>T, p.Ala1509Ser (NM_001318731.2); c.4840G>T, p.Ala1614Ser (NM_001379.4); short protein forms A1630S, A1509S, A1617S, A1614S.
Identifiers: ClinVar variation 4711835 (VCV004711835.1).

ClinVar aggregate classification (germline): Uncertain significance (1 of 4 stars; one submission).

Conditions:
Hereditary sensory neuropathy-deafness-dementia syndrome. Also called: Hereditary Sensory and Autonomic Neuropathy Type 1E (HSAN1E); NEUROPATHY, HEREDITARY SENSORY, WITH HEARING LOSS AND DEMENTIA; HSN IE; Hereditary sensory neuropathy type IE. Identifiers: Orphanet 456318, MedGen C3279885, MONDO:0013584, OMIM 614116.

Submission:

Labcorp Genetics (formerly Invitae), Labcorp
Classification: Uncertain significance for Hereditary sensory neuropathy-deafness-dementia syndrome. Last evaluated: 2025-09-02. Review status: criteria provided, single submitter. Criteria: Invitae Variant Classification Sherloc (09022015). Collection method: clinical testing. Allele origin: germline.
Comment: This sequence change replaces alanine, which is neutral and non-polar, with serine, which is neutral and polar, at codon 1630 of the DNMT1 protein (p.Ala1630Ser). This variant is not present in population databases (gnomAD no frequency). This variant has not been reported in the literature in individuals affected with DNMT1-related conditions. Experimental studies and prediction algorithms are not available or were not evaluated, and the functional significance of this variant is currently unknown. In summary, the available evidence is currently insufficient to determine the role of this variant in disease. Therefore, it has been classified as a Variant of Uncertain Significance.